The following continues an entry in ClinVar:

NM_004562.3(PRKN):c.1289G>A (p.Gly430Asp)

Gene: PRKN. ClinVar aggregate classification (germline): Pathogenic/Likely pathogenic. Pathogenic (9); Likely pathogenic (2).

Submissions 11 to 14 of 14:

Laboratory for Molecular Medicine, Mass General Brigham Personalized Medicine
Classification: Likely pathogenic for Young-onset Parkinson disease. Last evaluated: 2015-02-10. Review status: criteria provided, single submitter. Criteria: ACMG Guidelines, 2015. Collection method: clinical testing. Allele origin: germline. Inheritance: Autosomal recessive inheritance.
Comment: The p.Gly430Asp variant in PARK2 has been reported in at least 4 compound heterozygous (Khan 2003, Oliveira 2003) and 1 homozygous (Mellick 2009) individuals with Parkinson disease out of a combined total of 794 cases. This variant has also been identified in 0.02% (10/56,440) of European chromosomes by the Exome Aggregation Consortium (ExAC; dbSNP rs191486604). This difference in frequency is considered statistically significant (7/794 vs 10/56440; p <0.0001). Computational prediction tools and conservation analysis suggest that the p.Gly430Asp variant may impact the protein and in vitro functional studies provide some evidence that the p.Gly430Asp variant may impact protein function (Sriram 2005). However, these types of assays and analyses may not accurately represent biological function. Homozygous or compound heterozygous mutations in PARK2 have been associated with Parkinson disease. In summary, although additional studies are required to fully establish its clinical significance, the p.Gly430Arg variant is likely pathogenic for autosomal recessive Parkinson disease.

Institute of Neurology, Charite University of Medicine
Classification: Pathogenic for ischemic cerebrovascular diesease. Last evaluated: 2025-07-10. Review status: no assertion criteria provided. Collection method: provider interpretation. Allele origin: germline. Affected: yes. Observed: 1 variant allele. Not counted in ClinVar's aggregate classification.
Comment: Coding variants in PRKN have been reported in Parkinson's disease. The variant has been classsified as 'pathogenic' in homozygosity based on the ACMG classification.

PreventionGenetics, part of Exact Sciences
Classification: Likely pathogenic for PRKN-related condition. Last evaluated: 2024-02-26. Review status: no assertion criteria provided. Collection method: clinical testing. Allele origin: germline. Not counted in ClinVar's aggregate classification.
Comment: The PRKN c.1289G>A variant is predicted to result in the amino acid substitution p.Gly430Asp. This variant was reported in individuals with autosomal recessive early-onset Parkinson disease (Lücking et al. 2000. PubMed ID: 10824074; Mellick et al. 2009. PubMed ID: 18486522; Figure 1A, Lesage et al. 2020. PubMed ID: 33045815). Functional studies showed that this variant could impact protein function (Sriram et al. 2005. PubMed ID: 16049031; Fiesel et al. 2015. PubMed ID: 25939424; Yi et al. 2019. PubMed ID: 30994895). This variant is reported in 0.013% of alleles in individuals of European (Non-Finnish) descent in gnomAD. This variant is interpreted as likely pathogenic.

Solve-RD Consortium
Classification: Likely pathogenic for Ovarian cancer. Last evaluated: 2022-06-01. Review status: no assertion criteria provided. Collection method: provider interpretation. Allele origin: inherited. Affected: yes. Not counted in ClinVar's aggregate classification.
Comment: Variant confirmed as disease-causing by referring clinical team

Variant identified during reanalysis of unsolved cases by the Solve-RD project. The Solve-RD project has received funding from the European Union’s Horizon 2020 research and innovation programme under grant agreement No 779257.

Literature cited by the submitters: PubMed 12764051 (cited by 3 submitters); PubMed 26836416 (cited by 4 submitters); PubMed 11179010 (cited by Women's Health and Genetics/Laboratory Corporation of America, LabCorp and Labcorp Genetics (formerly Invitae), Labcorp); PubMed 15090472 (cited by Labcorp Genetics (formerly Invitae), Labcorp and Illumina Laboratory Services, Illumina); PubMed 18486522 (cited by 4 submitters); PubMed 16049031 (cited by 6 submitters); PubMed 16339143 (cited by Labcorp Genetics (formerly Invitae), Labcorp); PubMed 20404107 (cited by Labcorp Genetics (formerly Invitae), Labcorp); PubMed 20604804 (cited by Labcorp Genetics (formerly Invitae), Labcorp and Illumina Laboratory Services, Illumina); PubMed 20798600 (cited by 3 submitters); PubMed 23751051 (cited by Labcorp Genetics (formerly Invitae), Labcorp); PubMed 20098416 (cited by Molecular Genetics, Royal Melbourne Hospital); PubMed 20558392 (cited by Molecular Genetics, Royal Melbourne Hospital); PubMed 31324919 (cited by 3 submitters); PubMed 10824074 (cited by 3 submitters); PubMed 25939424 (cited by 4 submitters); PubMed 30200940 (cited by Mayo Clinic Laboratories, Mayo Clinic and AiLife Diagnostics); PubMed 32970363 (cited by Mayo Clinic Laboratories, Mayo Clinic and AiLife Diagnostics); PubMed 33045815 (cited by Mayo Clinic Laboratories, Mayo Clinic and AiLife Diagnostics); PubMed 26556299 (cited by AiLife Diagnostics); PubMed 30994895 (cited by AiLife Diagnostics); PubMed 21996382 (cited by Athena Diagnostics and Illumina Laboratory Services, Illumina); PubMed 23818421 (cited by Illumina Laboratory Services, Illumina); PubMed 12730996 (cited by Laboratory for Molecular Medicine, Mass General Brigham Personalized Medicine); PubMed 39825153 (cited by Solve-RD Consortium).